The following is an entry in ClinVar:

ClinVar aggregate classification (germline): Conflicting classifications of pathogenicity. Review status: criteria provided, conflicting classifications (1 of 4 stars). 2 submissions from 2 submitters: Uncertain significance (1); Likely benign (1). Last evaluated 2024-07-04.

Conditions:
Epidermolysis bullosa simplex 5B, with muscular dystrophy (EBS5B). Also called: Epidermolysis bullosa simplex with muscular dystrophy; EPIDERMOLYSIS BULLOSA SIMPLEX AND LIMB-GIRDLE MUSCULAR DYSTROPHY. Identifiers: Orphanet 257, MedGen C2931072, MONDO:0009181, OMIM 226670.
Epidermolysis bullosa simplex 5C, with pyloric atresia (EBS5C). Also called: PLEC-Related Epidermolysis Bullosa with Pyloric Atresia; Epidermolysis bullosa simplex with pyloric atresia; PLEC1-Related Epidermolysis Bullosa with Pyloric Atresia. Identifiers: Orphanet 158684, MedGen C2677349, MONDO:0012807, OMIM 612138.
Autosomal recessive limb-girdle muscular dystrophy type 2Q (LGMDR17). Also called: MUSCULAR DYSTROPHY, LIMB-GIRDLE, AUTOSOMAL RECESSIVE 17. Identifiers: Orphanet 254361, MedGen C3150989, MONDO:0013390, OMIM 613723.
Epidermolysis bullosa simplex with nail dystrophy (EBS5D). Identifiers: MedGen C4225309, MONDO:0014661, OMIM 616487.
Epidermolysis bullosa simplex, Ogna type (EBS5A). Also called: Pidermolysis bullosa simplex 5A, Ogna type; EPIDERMOLYSIS BULLOSA SIMPLEX 5A, OGNA TYPE. Identifiers: Orphanet 79401, MedGen C0432317, MONDO:0007555, OMIM 131950.

Allele frequency attached by ClinVar (database versions not stated): gnomAD exomes below 0.00001; TOPMed below 0.00001.
gnomAD v4.1: 4 of 1,611,774 alleles (0.00025%); highest among the groups gnomAD compares: East Asian, 0.0022%; no homozygotes.

Submissions (2):

Labcorp Genetics (formerly Invitae), Labcorp
Classification: Uncertain significance for Autosomal recessive limb-girdle muscular dystrophy type 2Q; Epidermolysis bullosa simplex, Ogna type; Epidermolysis bullosa simplex with nail dystrophy; Epidermolysis bullosa simplex 5C, with pyloric atresia; Epidermolysis bullosa simplex 5B, with muscular dystrophy. Last evaluated: 2024-07-04. Review status: criteria provided, single submitter. Criteria: Invitae Variant Classification Sherloc (09022015). Collection method: clinical testing. Allele origin: germline.
Comment: This sequence change replaces asparagine, which is neutral and polar, with serine, which is neutral and polar, at codon 17 of the PLEC protein (p.Asn17Ser). This variant is not present in population databases (gnomAD no frequency). This variant has not been reported in the literature in individuals affected with PLEC-related conditions. ClinVar contains an entry for this variant (Variation ID: 514624). Experimental studies and prediction algorithms are not available or were not evaluated, and the functional significance of this variant is currently unknown. In summary, the available evidence is currently insufficient to determine the role of this variant in disease. Therefore, it has been classified as a Variant of Uncertain Significance.

GeneDx
Classification: Likely benign. Last evaluated: 2018-01-22. Review status: criteria provided, single submitter. Criteria: GeneDx Variant Classification (06012015). Collection method: clinical testing. Allele origin: germline. Affected: yes.
Comment: This variant is considered likely benign or benign based on one or more of the following criteria: it is a conservative change, it occurs at a poorly conserved position in the protein, it is predicted to be benign by multiple in silico algorithms, and/or has population frequency not consistent with disease.

NM_000445.5(PLEC):c.50A>G (p.Asn17Ser)

Gene: PLEC (plectin; minus strand). Cytogenetic location: 8q24.3.
Variant type: single nucleotide variant.
Coding change: c.50A>G on transcript NM_000445.5; coding-DNA position 50, A replaced by G.
Protein change: p.Asn17Ser; replaces asparagine 17 with serine.
Molecular consequence: missense variant.
Genome position (GRCh38, 1-based): chr8:143,975,320, T>C on the plus strand (A>G on the coding strand, the complement: PLEC is on the minus strand). VCF-style: chr8-143975320-T-C. GRCh37 (hg19) VCF-style: chr8-145049488-T-C.
Other names: c.50A>G, p.Asn17Ser (NM_001410941.1); short protein forms N17S.
Identifiers: ClinVar variation 514624 (VCV000514624.7), dbSNP rs1554745695, ClinGen allele CA372492150.